The following is an entry in ClinVar:

NM_024422.6(DSC2):c.1047T>C (p.Asn349=)

Gene: DSC2 (desmocollin 2; minus strand). Cytogenetic location: 18q12.1.
Variant type: single nucleotide variant.
Coding change: c.1047T>C on transcript NM_024422.6 (MANE Select); coding-DNA position 1047, T replaced by C.
Protein change: p.Asn349=; no amino-acid change (asparagine 349 retained).
Molecular consequence: synonymous variant.
Genome position (GRCh38, 1-based): chr18:31,082,956, A>G on the plus strand (T>C on the coding strand, the complement: DSC2 is on the minus strand). VCF-style: chr18-31082956-A-G. GRCh37 (hg19) VCF-style: chr18-28662922-A-G.
Other names: c.618T>C, p.Asn206= (NM_001406506.1, NM_001406507.1); c.1047T>C, p.Asn349= (NM_004949.5).
Identifiers: ClinVar variation 3386538 (VCV003386538.1).

ClinVar aggregate classification (germline): Likely benign (1 of 4 stars; one submission).

Conditions:
Familial isolated arrhythmogenic right ventricular dysplasia. Identifiers: Orphanet 217656, MedGen C4274968, MONDO:0016342.

gnomAD v4.1: 2 of 1,613,486 alleles (0.00012%); highest among the groups gnomAD compares: African/African-American, 0.0027%; no homozygotes.

Submission:

All of Us Research Program, National Institutes of Health
Classification: Likely benign for Familial isolated arrhythmogenic right ventricular dysplasia. Last evaluated: 2024-06-09. Review status: criteria provided, single submitter. Criteria: ACMG Guidelines, 2015. Collection method: clinical testing. Allele origin: germline. Inheritance: Autosomal dominant inheritance. Observed: 1 variant allele, 1 heterozygote.
Comment: This study involves interpretation of variants in research participants for the purpose of population health screening. Participant phenotype was not available at the time of variant classification. Additional details can be found in publication PMID: 35346344, PMCID: PMC8962531